The following is an entry in ClinVar:

ClinVar aggregate classification (germline): Pathogenic (1 of 4 stars; one submission).

Conditions:
Hypertrophic cardiomyopathy 26. Also called: Cardiomyopathy, familial hypertrophic, 26. Identifiers: Orphanet 75249, MedGen C4310749, MONDO:0014883, OMIM 617047.
Myofibrillar myopathy 5. Also called: Filaminopathy (type); FILAMINOPATHY, AUTOSOMAL DOMINANT. Identifiers: Orphanet 171445, MedGen C1836050, MONDO:0012289, OMIM 609524.
Distal myopathy with posterior leg and anterior hand involvement. Also called: WILLIAMS DISTAL MYOPATHY. Identifiers: Orphanet 63273, MedGen C3279722, MONDO:0013550, OMIM 614065.

Submission:

Labcorp Genetics (formerly Invitae), Labcorp
Classification: Pathogenic for Distal myopathy with posterior leg and anterior hand involvement; Myofibrillar myopathy 5; Hypertrophic cardiomyopathy 26. Last evaluated: 2026-01-28. Review status: criteria provided, single submitter. Criteria: Invitae Variant Classification Sherloc (09022015). Collection method: clinical testing. Allele origin: germline.
Comment: This sequence change creates a premature translational stop signal (p.Gln159*) in the FLNC gene. It is expected to result in an absent or disrupted protein product. Loss-of-function variants in FLNC are known to be pathogenic (PMID: 27908349). This variant is not present in population databases (gnomAD no frequency). This variant has not been reported in the literature in individuals affected with FLNC-related conditions. For these reasons, this variant has been classified as Pathogenic.

Literature cited by the submitters: PubMed 27908349.

NM_001458.5(FLNC):c.475C>T (p.Gln159Ter)

Gene: FLNC (filamin C; plus strand). Cytogenetic location: 7q32.1.
Variant type: single nucleotide variant.
Coding change: c.475C>T on transcript NM_001458.5 (MANE Select); coding-DNA position 475, C replaced by T.
Protein change: p.Gln159Ter; replaces glutamine 159 with a stop codon.
Molecular consequence: nonsense.
Genome position (GRCh38, 1-based): chr7:128,835,448, C>T. VCF-style: chr7-128835448-C-T. GRCh37 (hg19) VCF-style: chr7-128475502-C-T.
Other names: c.475C>T, p.Gln159Ter (NM_001127487.2); short protein forms Q159*.
Identifiers: ClinVar variation 4812562 (VCV004812562.1).